The following is an entry in ClinVar:

NM_001256007.3(PNPLA8):c.2062A>G (p.Thr688Ala)

Gene: PNPLA8 (patatin like domain 8, phospholipase A2; minus strand). Cytogenetic location: 7q31.1.
Variant type: single nucleotide variant.
Coding change: c.2062A>G on transcript NM_001256007.3 (MANE Select); coding-DNA position 2062, A replaced by G.
Protein change: p.Thr688Ala; replaces threonine 688 with alanine.
Molecular consequence: missense variant.
Genome position (GRCh38, 1-based): chr7:108,479,196, T>C on the plus strand (A>G on the coding strand, the complement: PNPLA8 is on the minus strand). VCF-style: chr7-108479196-T-C. GRCh37 (hg19) VCF-style: chr7-108119640-T-C.
Other names: c.2062A>G, p.Thr688Ala (NM_001256008.3, NM_015723.5); c.1876A>G, p.Thr626Ala (NM_001256009.3); c.1762A>G, p.Thr588Ala (NM_001256010.3, NM_001256011.3); short protein forms T626A, T688A, T588A.
Identifiers: ClinVar variation 1946678 (VCV001946678.5), dbSNP rs767245222, ClinGen allele CA4439395.
Genomic context (GRCh38, chr7:108,479,196, plus strand): 5'-CTAGAATGCTAGAAGTTGAAGTATTTTAAAGCAGCAAACAAGACTAACCTTCTGTATCTG[T>C]AGCACTGTTGATAACATTAGAAAGTTTAGTTTTCAAGCTTGTGTATGTTACCGTGTTTCT-3'
Protein context (NP_001242936.1, residues 678-698): TKLSNVINSA[Thr688Ala]DTEEVHIMLD

ClinVar aggregate classification (germline): Uncertain significance (1 of 4 stars; one submission).

Allele frequency attached by ClinVar (database versions not stated): ExAC 0.00001; gnomAD 0.00001; gnomAD exomes 0.00001; TOPMed 0.00001.
gnomAD v4.1: 13 of 1,609,004 alleles (0.00081%); highest among the groups gnomAD compares: East Asian, 0.0022%; no homozygotes.

Submission:

Labcorp Genetics (formerly Invitae), Labcorp
Classification: Uncertain significance. Last evaluated: 2022-05-13. Review status: criteria provided, single submitter. Criteria: Invitae Variant Classification Sherloc (09022015). Collection method: clinical testing. Allele origin: germline.
Comment: In summary, the available evidence is currently insufficient to determine the role of this variant in disease. Therefore, it has been classified as a Variant of Uncertain Significance. Algorithms developed to predict the effect of missense changes on protein structure and function are either unavailable or do not agree on the potential impact of this missense change (SIFT: "Deleterious"; PolyPhen-2: "Probably Damaging"; Align-GVGD: "Class C0"). This variant has not been reported in the literature in individuals affected with PNPLA8-related conditions. This variant is present in population databases (rs767245222, gnomAD 0.005%). This sequence change replaces threonine, which is neutral and polar, with alanine, which is neutral and non-polar, at codon 688 of the PNPLA8 protein (p.Thr688Ala).